The following is an entry in ClinVar:

ClinVar aggregate classification (germline): Uncertain significance. Review status: criteria provided, multiple submitters, no conflicts (2 of 4 stars). 2 submissions from 2 submitters: Uncertain significance (2). Last evaluated 2025-02-09.

Conditions:
Inborn genetic diseases. Identifiers: MedGen C0950123, MeSH D030342.

Submissions (2):

Ambry Genetics
Classification: Uncertain significance for Inborn genetic diseases. Last evaluated: 2025-02-09. Review status: criteria provided, single submitter. Criteria: Ambry Variant Classification Scheme 2023. Collection method: clinical testing. Allele origin: germline.
Comment: The p.A1082G variant (also known as c.3245C>G), located in coding exon 1 of the SAMD9 gene, results from a C to G substitution at nucleotide position 3245. The alanine at codon 1082 is replaced by glycine, an amino acid with similar properties. This amino acid position is conserved. In addition, this alteration is predicted to be tolerated by in silico analysis. Based on the available evidence, the clinical significance of this variant remains unclear.

GeneDx
Classification: Uncertain significance. Last evaluated: 2020-06-24. Review status: criteria provided, single submitter. Criteria: GeneDx Variant Classification Process June 2021. Collection method: clinical testing. Allele origin: germline. Affected: yes.
Comment: Not observed in large population cohorts (Lek et al., 2016); In silico analysis supports that this missense variant does not alter protein structure/function; Has not been previously published as pathogenic or benign to our knowledge

NM_017654.4(SAMD9):c.3245C>G (p.Ala1082Gly)

Gene: SAMD9 (sterile alpha motif domain containing 9; minus strand). Cytogenetic location: 7q21.2.
Variant type: single nucleotide variant.
Coding change: c.3245C>G on transcript NM_017654.4 (MANE Select); coding-DNA position 3245, C replaced by G.
Protein change: p.Ala1082Gly; replaces alanine 1082 with glycine.
Molecular consequence: missense variant.
Genome position (GRCh38, 1-based): chr7:93,102,853, G>C on the plus strand (C>G on the coding strand, the complement: SAMD9 is on the minus strand). VCF-style: chr7-93102853-G-C. GRCh37 (hg19) VCF-style: chr7-92732166-G-C.
Other names: c.3245C>G, p.Ala1082Gly (NM_001193307.2); short protein forms A1082G.
Identifiers: ClinVar variation 1312757 (VCV001312757.3), dbSNP rs2116415399, ClinGen allele CA368188408.